The following is an entry in ClinVar:

NM_001128178.3(NPHP1):c.202A>C (p.Lys68Gln)

Gene: NPHP1 (nephrocystin 1; minus strand). Cytogenetic location: 2q13.
Variant type: single nucleotide variant.
Coding change: c.202A>C on transcript NM_001128178.3 (MANE Select); coding-DNA position 202, A replaced by C.
Protein change: p.Lys68Gln; replaces lysine 68 with glutamine.
Molecular consequence: missense variant. On other transcripts: intron variant (1).
Genome position (GRCh38, 1-based): chr2:110,179,626, T>G on the plus strand (A>C on the coding strand, the complement: NPHP1 is on the minus strand). VCF-style: chr2-110179626-T-G. GRCh37 (hg19) VCF-style: chr2-110937203-T-G.
Other names: c.202A>C, p.Lys68Gln (NM_000272.5, NM_001374256.1, NM_001374257.1 and 1 more transcripts); c.144-9628A>C (NM_001128179.3); c.202A>C (NM_000272.3); short protein forms K68Q.
Identifiers: ClinVar variation 497410 (VCV000497410.8), dbSNP rs748557384, ClinGen allele CA1827477.

ClinVar aggregate classification (germline): Uncertain significance. Review status: criteria provided, multiple submitters, no conflicts (2 of 4 stars). 4 submissions from 4 submitters: Uncertain significance (4). Last evaluated 2025-04-20.

Conditions:
Inborn genetic diseases. Identifiers: MedGen C0950123, MeSH D030342.
Nephronophthisis. Also called: Juvenile Nephronophthisis. Identifiers: Orphanet 655, MedGen C0687120, MONDO:0019005, HP:0000090.
Joubert syndrome with renal defect. Also called: JOUBERT SYNDROME 4. Identifiers: Orphanet 220497, MedGen C1846790, MONDO:0012308, OMIM 609583.
Senior-Loken syndrome 1 (SLSN1). Also called: JUVENILE NEPHRONOPHTHISIS WITH LEBER AMAUROSIS. Identifiers: Orphanet 3156, MedGen C4551559, MONDO:0009962, OMIM 266900.
Nephronophthisis 1 (NPHP1). Also called: Nephronophthisis familial juvenile. Identifiers: Orphanet 655, Orphanet 93592, MedGen C1855681, MONDO:0009728, OMIM 256100.

Allele frequency attached by ClinVar (database versions not stated): ExAC 0.00002; TOPMed 0.00002; gnomAD 0.00003 and 0.00004; gnomAD exomes 0.00003 and 0.00009.
gnomAD v4.1: 112 of 1,323,762 alleles (0.0085%); highest among the groups gnomAD compares: Non-Finnish European, 0.012%; no homozygotes.

Submissions (4):

Ambry Genetics
Classification: Uncertain significance for Inborn genetic diseases. Last evaluated: 2025-04-20. Review status: criteria provided, single submitter. Criteria: Ambry Variant Classification Scheme 2023. Collection method: clinical testing. Allele origin: germline.

Labcorp Genetics (formerly Invitae), Labcorp
Classification: Uncertain significance for Nephronophthisis. Last evaluated: 2022-09-13. Review status: criteria provided, single submitter. Criteria: Invitae Variant Classification Sherloc (09022015). Collection method: clinical testing. Allele origin: germline.
Comment: This sequence change replaces lysine, which is basic and polar, with glutamine, which is neutral and polar, at codon 68 of the NPHP1 protein (p.Lys68Gln). The frequency data for this variant in the population databases is considered unreliable, as metrics indicate poor data quality at this position in the gnomAD database. This variant has not been reported in the literature in individuals affected with NPHP1-related conditions. ClinVar contains an entry for this variant (Variation ID: 497410). Algorithms developed to predict the effect of missense changes on protein structure and function are either unavailable or do not agree on the potential impact of this missense change (SIFT: "Deleterious"; PolyPhen-2: "Possibly Damaging"; Align-GVGD: "Class C0"). In summary, the available evidence is currently insufficient to determine the role of this variant in disease. Therefore, it has been classified as a Variant of Uncertain Significance.

Fulgent Genetics
Classification: Uncertain significance for Nephronophthisis 1; Senior-Loken syndrome 1; Joubert syndrome with renal defect. Last evaluated: 2021-08-03. Review status: criteria provided, single submitter. Criteria: ACMG Guidelines, 2015. Collection method: clinical testing. Allele origin: unknown.

Eurofins Ntd Llc (ga)
Classification: Uncertain significance. Last evaluated: 2016-10-04. Review status: criteria provided, single submitter. Criteria: EGL Classification Definitions 2015. Collection method: clinical testing. Allele origin: germline. Observed: 1 variant allele, 1 heterozygote.